The following is an entry in ClinVar:

NM_015662.3(IFT172):c.5068+3A>G

Genes: IFT172 (intraflagellar transport 172; minus strand), KRTCAP3 (keratinocyte associated protein 3; plus strand). Cytogenetic location: 2p23.3.
Variant type: single nucleotide variant.
Coding change: c.5068+3A>G on transcript NM_015662.3 (MANE Select); 3 bases into the intron after coding-DNA position 5068, A replaced by G.
Molecular consequence: intron variant.
Genome position (GRCh38, 1-based): chr2:27,445,293, T>C on the plus strand (A>G on the coding strand, the complement: IFT172 is on the minus strand). VCF-style: chr2-27445293-T-C. GRCh37 (hg19) VCF-style: chr2-27668160-T-C.
Other names: c.*6-1008T>C (NM_001168364.2); c.5002+3A>G (NM_001410739.1).
Identifiers: ClinVar variation 1511577 (VCV001511577.7), dbSNP rs1664957671, ClinGen allele CA1240275940.

ClinVar aggregate classification (germline): Uncertain significance (1 of 4 stars; one submission).

Conditions:
Short-rib thoracic dysplasia 10 with or without polydactyly (SRTD10). Identifiers: Orphanet 474, MedGen C3810175, MONDO:0014284, OMIM 615630.
Retinitis pigmentosa 71 (RP71). Identifiers: Orphanet 791, MedGen C4225342, MONDO:0014618, OMIM 616394.

Allele frequency attached by ClinVar (database versions not stated): TOPMed below 0.00001; gnomAD exomes below 0.00001.
gnomAD v4.1: 5 of 1,610,862 alleles (0.00031%); highest among the groups gnomAD compares: African/African-American, 0.0013%; no homozygotes.

Submission:

Labcorp Genetics (formerly Invitae), Labcorp
Classification: Uncertain significance for Retinitis pigmentosa 71; Short-rib thoracic dysplasia 10 with or without polydactyly. Last evaluated: 2021-05-07. Review status: criteria provided, single submitter. Criteria: Invitae Variant Classification Sherloc (09022015). Collection method: clinical testing. Allele origin: germline.
Comment: In summary, the available evidence is currently insufficient to determine the role of this variant in disease. Therefore, it has been classified as a Variant of Uncertain Significance. This sequence change falls in intron 46 of the IFT172 gene. It does not directly change the encoded amino acid sequence of the IFT172 protein. It affects a nucleotide within the consensus splice site of the intron. This variant is not present in population databases (ExAC no frequency). This variant has not been reported in the literature in individuals with IFT172-related conditions. Nucleotide substitutions within the consensus splice site are a relatively common cause of aberrant splicing (PMID: 17576681, 9536098). Algorithms developed to predict the effect of sequence changes on RNA splicing suggest that this variant may disrupt the consensus splice site, but this prediction has not been confirmed by published transcriptional studies.

Literature cited by the submitters: PubMed 17576681; PubMed 9536098.